The following is an entry in ClinVar:

ClinVar aggregate classification (germline): Conflicting classifications of pathogenicity. Review status: criteria provided, conflicting classifications (1 of 4 stars). 5 submissions from 5 submitters: Uncertain significance (4); Likely benign (1). Last evaluated 2025-08-22.

Conditions:
Hereditary breast ovarian cancer syndrome. Also called: Hereditary breast and ovarian cancer syndrome; Hereditary breast and ovarian cancer syndrome (HBOC); BRCA1- and BRCA2-Associated Hereditary Breast and Ovarian Cancer; Hereditary breast and/or ovarian cancer syndrome; Hereditary breast and ovarian cancer; Breast and ovarian cancer. Identifiers: Orphanet 145, MedGen C0677776, MeSH D061325, MONDO:0003582. Disease mechanism: loss of function.
Hereditary cancer-predisposing syndrome. Also called: Neoplastic Syndromes, Hereditary; Tumor predisposition; Hereditary neoplastic syndrome; Hereditary Cancer Syndrome. Identifiers: Orphanet 140162, MedGen C0027672, MeSH D009386, MONDO:0015356.

Allele frequency attached by ClinVar (database versions not stated): gnomAD exomes below 0.00001 and 0.00001; ExAC 0.00002.
gnomAD v4.1: 1 of 1,613,882 alleles (0.000062%); highest among the groups gnomAD compares: South Asian, 0.0011%; no homozygotes.

Submissions (5):

Ambry Genetics
Classification: Uncertain significance for Hereditary cancer-predisposing syndrome. Last evaluated: 2025-08-22. Review status: criteria provided, single submitter. Criteria: Ambry Variant Classification Scheme 2023. Collection method: clinical testing. Allele origin: germline.
Comment: The p.P724L variant (also known as c.2171C>T), located in coding exon 9 of the BRCA1 gene, results from a C to T substitution at nucleotide position 2171. The proline at codon 724 is replaced by leucine, an amino acid with similar properties. This alteration was identified in an individual diagnosed with ovarian cancer (Eoh KJ et al. Cancer Res Treat, 2018 Jul;50:917-925). This amino acid position is not well conserved in available vertebrate species. In addition, the in silico prediction for this alteration is inconclusive. Since supporting evidence is limited at this time, the clinical significance of this alteration remains unclear.

Women's Health and Genetics/Laboratory Corporation of America, LabCorp
Classification: Uncertain significance. Last evaluated: 2024-10-28. Review status: criteria provided, single submitter. Criteria: LabCorp Variant Classification Summary - May 2015. Collection method: clinical testing. Allele origin: germline.
Comment: Variant summary: BRCA1 c.2171C>T (p.Pro724Leu) results in a non-conservative amino acid change in the encoded protein sequence. Three of five in-silico tools predict a benign effect of the variant on protein function. The variant allele was found at a frequency of 8e-06 in 250828 control chromosomes (gnomAD). The available data on variant occurrences in the general population are insufficient to allow any conclusion about variant significance. c.2171C>T has been reported in the literature in individuals affected with breast and/or ovarian cancer without strong evidence of causality (Eoh_2018, So_2019). These reports do not provide unequivocal conclusions about association of the variant with Hereditary Breast And Ovarian Cancer Syndrome. To our knowledge, no experimental evidence demonstrating an impact on protein function has been reported. The following publications have been ascertained in the context of this evaluation (PMID: 29020732, 30725392). ClinVar contains an entry for this variant (Variation ID: 581291). Based on the evidence outlined above, the variant was classified as uncertain significance.

Labcorp Genetics (formerly Invitae), Labcorp
Classification: Uncertain significance for Hereditary breast ovarian cancer syndrome. Last evaluated: 2024-06-04. Review status: criteria provided, single submitter. Criteria: Invitae Variant Classification Sherloc (09022015). Collection method: clinical testing. Allele origin: germline.
Comment: This sequence change replaces proline, which is neutral and non-polar, with leucine, which is neutral and non-polar, at codon 724 of the BRCA1 protein (p.Pro724Leu). This variant is present in population databases (rs751104940, gnomAD 0.007%). This missense change has been observed in individual(s) with breast and/or ovarian cancer (PMID: 29020732, 30725392). ClinVar contains an entry for this variant (Variation ID: 581291). Advanced modeling of protein sequence and biophysical properties (such as structural, functional, and spatial information, amino acid conservation, physicochemical variation, residue mobility, and thermodynamic stability) performed at Invitae indicates that this missense variant is not expected to disrupt BRCA1 protein function with a negative predictive value of 95%. In summary, the available evidence is currently insufficient to determine the role of this variant in disease. Therefore, it has been classified as a Variant of Uncertain Significance.

University of Washington Department of Laboratory Medicine, University of Washington
Classification: Likely benign for Hereditary cancer-predisposing syndrome. Last evaluated: 2023-03-23. Review status: criteria provided, single submitter. Criteria: Dines et al. (Genet Med. 2020). Collection method: curation. Allele origin: germline.
Comment: Missense variant in a coldspot region where missense variants are very unlikely to be pathogenic (PMID:31911673).

BRCA1 coldspot (exon 11 using historical exon numbering). Reclassification based on statistical prior probability

Color Diagnostics, LLC DBA Color Health
Classification: Uncertain significance for Hereditary cancer-predisposing syndrome. Last evaluated: 2019-10-22. Review status: criteria provided, single submitter. Criteria: ACMG Guidelines, 2015. Collection method: clinical testing. Allele origin: germline.
Comment: This missense variant replaces proline with leucine at codon 724 of the BRCA1 protein. Computational prediction suggests that this variant may not impact protein structure and function (internally defined REVEL score threshold <= 0.5, PMID: 27666373). Splice site prediction tools suggest that this variant may not impact RNA splicing. To our knowledge, functional studies have not been performed for this variant. This variant has been reported in an individual affected with ovarian cancer (PMID: 29020732). This variant has been identified in 2/250828 chromosomes in the general population by the Genome Aggregation Database (gnomAD). The available evidence is insufficient to determine the role of this variant in disease conclusively. Therefore, this variant is classified as a Variant of Uncertain Significance.

Literature cited by the submitters: PubMed 29020732 (cited by 3 submitters); PubMed 30725392 (cited by Women's Health and Genetics/Laboratory Corporation of America, LabCorp and Labcorp Genetics (formerly Invitae), Labcorp).

NM_007294.4(BRCA1):c.2171C>T (p.Pro724Leu)

Gene: BRCA1 (BRCA1 DNA repair associated; minus strand). Cytogenetic location: 17q21.31.
Variant type: single nucleotide variant.
Coding change: c.2171C>T on transcript NM_007294.4 (MANE Select); coding-DNA position 2171, C replaced by T.
Protein change: p.Pro724Leu; replaces proline 724 with leucine.
Molecular consequence: missense variant. On other transcripts: intron variant (137).
Genome position (GRCh38, 1-based): chr17:43,093,360, G>A on the plus strand (C>T on the coding strand, the complement: BRCA1 is on the minus strand). VCF-style: chr17-43093360-G-A. GRCh37 (hg19) VCF-style: chr17-41245377-G-A.
Other names: c.1961C>T, p.Pro654Leu (NM_001407908.1, NM_001407909.1, NM_001407910.1 and 13 more transcripts); c.1958C>T, p.Pro653Leu (NM_001407915.1, NM_001407916.1, NM_001407917.1 and 9 more transcripts); c.1907C>T, p.Pro636Leu (NM_001407921.1, NM_001407922.1, NM_001407923.1 and 9 more transcripts); c.2048C>T, p.Pro683Leu (NM_001407919.1, NM_001407664.1, NM_001407665.1 and 19 more transcripts); c.2090C>T, p.Pro697Leu (NM_001407662.1, NM_001407659.1, NM_001407660.1 and 1 more transcripts); c.2093C>T, p.Pro698Leu (NM_001407663.1, NM_001407653.1, NM_001407654.1 and 4 more transcripts); c.2045C>T, p.Pro682Leu (NM_001407670.1, NM_001407671.1, NM_001407672.1 and 11 more transcripts); c.2171C>T, p.Pro724Leu (NM_001407684.1, NM_001407854.1, NM_001407858.1 and 30 more transcripts); and 41 more; short protein forms P724L, P677L, P636L, P428L, P612L, P613L, P635L, P653L.
Identifiers: ClinVar variation 581291 (VCV000581291.19), dbSNP rs751104940, ClinGen allele CA058748.
Genomic context (GRCh38, chr17:43,093,360, plus strand): 5'-GCATTATTAGACACTTTAACTGTTTCTAGTTTCTCTTCTTTTTCTTCTCTTGGAAGGCTA[G>A]GATTGACAAATTCTTTAAGTTCACTGGTATTTGAACACTTAGTAAAAGAACCAGGTGCAT-3'
Protein context (NP_009225.1, residues 714-734): NTSELKEFVN[Pro724Leu]SLPREEKEEK